The following is an entry in ClinVar:

ClinVar aggregate classification (germline): Uncertain significance (1 of 4 stars; one submission).

Submission:

Dasa
Classification: Uncertain significance. Last evaluated: 2024-10-22. Review status: criteria provided, single submitter. Criteria: DASA Assertion Criteria. Collection method: clinical testing. Allele origin: germline.
Comment: NM_001318852.2(MAPK8IP3):c.3524-3C>T is a splice-region variant. This variant is absent from population databases. Computational prediction algorithms are consistent with a benign effect. The currently available literature and clinical evidence are not sufficient to establish a definitive association between this variant and the reported condition. Therefore, this variant is classified as a variant of uncertain significance.

NM_001318852.2(MAPK8IP3):c.3524-3C>T

Gene: MAPK8IP3 (mitogen-activated protein kinase 8 interacting protein 3; plus strand). Cytogenetic location: 16p13.3.
Variant type: single nucleotide variant.
Coding change: c.3524-3C>T on transcript NM_001318852.2 (MANE Select); 3 bases into the intron before coding-DNA position 3524, C replaced by T.
Molecular consequence: intron variant.
Genome position (GRCh38, 1-based): chr16:1,768,066, C>T. VCF-style: chr16-1768066-C-T. GRCh37 (hg19) VCF-style: chr16-1818067-C-T.
Other names: c.3521-3C>T (NM_015133.5); c.3503-3C>T (NM_001040439.2).
Identifiers: ClinVar variation 4880886 (VCV004880886.2).